The following is an entry in ClinVar:

ClinVar aggregate classification (germline): Uncertain significance. Review status: criteria provided, multiple submitters, no conflicts (2 of 4 stars). 2 submissions from 2 submitters: Uncertain significance (2). Last evaluated 2014-09-12.

gnomAD v4.1: 1 of 1,613,160 alleles (0.000062%); highest among the groups gnomAD compares: Non-Finnish European, 0.000085%; no homozygotes.

Submissions (2):

GeneDx
Classification: Uncertain significance. Last evaluated: 2014-09-12. Review status: criteria provided, single submitter. Criteria: GeneDx Variant Classification (06012015). Collection method: clinical testing. Allele origin: germline. Affected: yes.
Comment: Missense variants in the TTN gene are considered 'unclassified' if they are not previously reported in the literature and do not have >1% frequency in the population to be considered a polymorphism. Research indicates that truncating mutations in the TTN gene are expected to account for approximately 25% of familial and 18% of sporadic idiopathic DCM; however, truncating variants in the TTN gene have been reported in approximately 3% of reported control alleles. There has been little investigation into non-truncating variants. (Herman D et al. Truncations of titin causing dilated cardiomyopathy. N Eng J Med 366:619-628, 2012) The variant is found in DCM-CRDM panel(s).

Biesecker Lab/Clinical Genomics Section, National Institutes of Health
Classification: Uncertain significance. Last evaluated: 2013-06-24. Review status: criteria provided, single submitter. Criteria: Ng et al. (Circ Cardiovasc Genet. 2013). Collection method: research. Allele origin: unknown. Observed: 1 variant allele. Study: ClinSeq.
Comment: The study set was not selected for affection status in relation to any cancer. Pathogenicity categories were based on literature curation. See Pubmed ID:23861362 for details.

Medical sequencing

NM_001267550.2(TTN):c.20170G>T (p.Val6724Phe)

Genes: TTN (titin; minus strand), LOC126806429 (BRD4-independent group 4 enhancer GRCh37_chr2:179591393-179592592; plus strand). Cytogenetic location: 2q31.2.
Variant type: single nucleotide variant.
Coding change: c.20170G>T on transcript NM_001267550.2 (MANE Select); coding-DNA position 20170, G replaced by T.
Protein change: p.Val6724Phe; replaces valine 6724 with phenylalanine.
Molecular consequence: missense variant. On other transcripts: intron variant (3).
Genome position (GRCh38, 1-based): chr2:178,727,195, C>A on the plus strand (G>T on the coding strand, the complement: TTN is on the minus strand). VCF-style: chr2-178727195-C-A. GRCh37 (hg19) VCF-style: chr2-179591922-C-A.
Other names: p.V6407F:GTC>TTC; c.19219G>T, p.Val6407Phe (NM_001256850.1); c.16438G>T, p.Val5480Phe (NM_133378.4); c.13282+10887G>T (NM_003319.4); c.13858+10887G>T (NM_133437.4); c.13657+10887G>T (NM_133432.3); short protein forms V5480F, V6724F, V6407F.
Identifiers: ClinVar variation 192019 (VCV000192019.2), dbSNP rs140143513, ClinGen allele CA302507.